The following is an entry in ClinVar:

ClinVar aggregate classification (germline): Uncertain significance (1 of 4 stars; one submission).

Submission:

Women's Health and Genetics/Laboratory Corporation of America, LabCorp
Classification: Uncertain significance. Last evaluated: 2025-06-10. Review status: criteria provided, single submitter. Criteria: LabCorp Variant Classification Summary - May 2015. Collection method: clinical testing. Allele origin: germline.
Comment: Variant summary: FGF17 c.437A>G (p.His146Arg) results in a non-conservative amino acid change in the encoded protein sequence. Algorithms developed to predict the effect of missense changes on protein structure and function are either unavailable or do not agree on the potential impact of this missense change. The frequency data for this variant in gnomAD is considered unreliable, as metrics indicate poor data quality at this position. To our knowledge, no occurrence of c.437A>G in individuals affected with Hypogonadotropic Hypogonadism 20 With Or Without Anosmia and no experimental evidence demonstrating its impact on protein function have been reported. No submitters have cited clinical-significance assessments for this variant to ClinVar. Based on the evidence outlined above, the variant was classified as uncertain significance.

NM_003867.4(FGF17):c.437A>G (p.His146Arg)

Gene: FGF17 (fibroblast growth factor 17; plus strand). Cytogenetic location: 8p21.3.
Variant type: single nucleotide variant.
Coding change: c.437A>G on transcript NM_003867.4 (MANE Select); coding-DNA position 437, A replaced by G.
Protein change: p.His146Arg; replaces histidine 146 with arginine.
Molecular consequence: missense variant.
Genome position (GRCh38, 1-based): chr8:22,048,035, A>G. VCF-style: chr8-22048035-A-G. GRCh37 (hg19) VCF-style: chr8-21905546-A-G.
Other names: c.404A>G, p.His135Arg (NM_001304478.1); short protein forms H135R, H146R.
Identifiers: ClinVar variation 3907250 (VCV003907250.1).